The following is an entry in ClinVar:

NM_014284.3(NCDN):c.974C>T (p.Thr325Met)

Gene: NCDN (neurochondrin; plus strand). Cytogenetic location: 1p34.3.
Variant type: single nucleotide variant.
Coding change: c.974C>T on transcript NM_014284.3 (MANE Select); coding-DNA position 974, C replaced by T.
Protein change: p.Thr325Met; replaces threonine 325 with methionine.
Molecular consequence: missense variant.
Genome position (GRCh38, 1-based): chr1:35,561,125, C>T. VCF-style: chr1-35561125-C-T. GRCh37 (hg19) VCF-style: chr1-36026726-C-T.
Other names: c.974C>T, p.Thr325Met (NM_001014839.2); c.923C>T, p.Thr308Met (NM_001014841.2); short protein forms T308M, T325M.
Identifiers: ClinVar variation 2210583 (VCV002210583.23), dbSNP rs572728420, ClinGen allele CA760196.
Genomic context (GRCh38, chr1:35,561,125, plus strand): 5'-AGTTCCTGGCCCTGCTGGTGAATCTGGCGTGCGTGGAAGTGCGGCTGGCACTGGAGGAGA[C>T]GGGCACGGAGGTGAAAGAGGATGTGGTGACCGCCTGCTATGCCCTCATGGAGTTGGGGAT-3'
Protein context (NP_055099.1, residues 315-335): CVEVRLALEE[Thr325Met]GTEVKEDVVT

ClinVar aggregate classification (germline): Conflicting classifications of pathogenicity. Review status: criteria provided, conflicting classifications (1 of 4 stars). 2 submissions from 2 submitters: Uncertain significance (1); Likely benign (1). Last evaluated 2024-03-01.

Allele frequency attached by ClinVar (database versions not stated): gnomAD 0.00002; TOPMed 0.00002; ExAC 0.00003; gnomAD exomes 0.00003.
gnomAD v4.1: 44 of 1,612,792 alleles (0.0027%); highest among the groups gnomAD compares: Middle Eastern, 0.017%; no homozygotes.

Submissions (2):

CeGaT Center for Human Genetics Tuebingen
Classification: Likely benign. Last evaluated: 2024-03-01. Review status: criteria provided, single submitter. Criteria: CeGaT Center For Human Genetics Tuebingen Variant Classification Criteria Version 2. Collection method: clinical testing. Allele origin: germline. Affected: yes. Observed: 1 variant allele.
Comment: NCDN: BP4

Ambry Genetics
Classification: Uncertain significance. Last evaluated: 2021-07-14. Review status: criteria provided, single submitter. Criteria: Ambry Variant Classification Scheme 2023. Collection method: clinical testing. Allele origin: germline.